The following is an entry in ClinVar:

NM_017679.5(BCAS3):c.1572G>A (p.Met524Ile)

Gene: BCAS3 (BCAS3 microtubule associated cell migration factor; plus strand). Cytogenetic location: 17q23.2.
Variant type: single nucleotide variant.
Coding change: c.1572G>A on transcript NM_017679.5 (MANE Select); coding-DNA position 1572, G replaced by A.
Protein change: p.Met524Ile; replaces methionine 524 with isoleucine.
Molecular consequence: missense variant.
Genome position (GRCh38, 1-based): chr17:61,015,836, G>A. VCF-style: chr17-61015836-G-A. GRCh37 (hg19) VCF-style: chr17-59093197-G-A.
Other names: c.1572G>A, p.Met524Ile (NM_001099432.3, NM_001320470.3, NM_001330413.2 and 2 more transcripts); c.1662G>A, p.Met554Ile (NM_001353144.2, NM_001353145.2); short protein forms M524I, M554I.
Identifiers: ClinVar variation 2630415 (VCV002630415.1), dbSNP rs1311975430, ClinGen allele CA400779752.
Genomic context (GRCh38, chr17:61,015,836, plus strand): 5'-TAACAATTTTACCAACAACAACCCTGGCAACCCTCGGCTCTCTCCTCTTCCCAGCTTGAT[G>A]GTAGTGATGCCTCTTGCACAAATCAAGCAGCCAATGACATTGGGGACCATCACCAAACGA-3'
Protein context (NP_060149.3, residues 514-534): NPRLSPLPSL[Met524Ile]VVMPLAQIKQ

ClinVar aggregate classification (germline): Uncertain significance (1 of 4 stars; one submission).

Conditions:
BCAS3-related disorder. Also called: BCAS3-related condition.

gnomAD v4.1: 2 of 1,614,078 alleles (0.00012%); highest among the groups gnomAD compares: Admixed American, 0.0033%; no homozygotes.

Submission:

PreventionGenetics, part of Exact Sciences
Classification: Uncertain significance for BCAS3-related condition. Last evaluated: 2023-03-03. Review status: criteria provided, single submitter. Criteria: ACMG Guidelines, 2015. Collection method: clinical testing. Allele origin: germline.
Comment: The BCAS3 c.1662G>A variant is predicted to result in the amino acid substitution p.Met554Ile. To our knowledge, this variant has not been reported in the literature. This variant is reported in 0.0058% of alleles in individuals of Latino descent in gnomAD. At this time, the clinical significance of this variant is uncertain due to the absence of conclusive functional and genetic evidence.